The following is an entry in ClinVar:

ClinVar aggregate classification (germline): Uncertain significance. Review status: criteria provided, multiple submitters, no conflicts (2 of 4 stars). 2 submissions from 2 submitters: Uncertain significance (2). Last evaluated 2023-10-24.

Conditions:
Inborn genetic diseases. Identifiers: MedGen C0950123, MeSH D030342.

Allele frequency attached by ClinVar (database versions not stated): gnomAD exomes 0.00001; ExAC 0.00003.
gnomAD v4.1: 11 of 1,612,290 alleles (0.00068%); highest among the groups gnomAD compares: South Asian, 0.0044%; no homozygotes.

Submissions (2):

Labcorp Genetics (formerly Invitae), Labcorp
Classification: Uncertain significance. Last evaluated: 2023-10-24. Review status: criteria provided, single submitter. Criteria: Invitae Variant Classification Sherloc (09022015). Collection method: clinical testing. Allele origin: germline.
Comment: This sequence change replaces threonine, which is neutral and polar, with methionine, which is neutral and non-polar, at codon 396 of the RASGRP2 protein (p.Thr396Met). This variant is present in population databases (rs768737956, gnomAD 0.01%). This variant has not been reported in the literature in individuals affected with RASGRP2-related conditions. Algorithms developed to predict the effect of missense changes on protein structure and function output the following: SIFT: "Not Available"; PolyPhen-2: "Possibly Damaging"; Align-GVGD: "Not Available". The methionine amino acid residue is found in multiple mammalian species, which suggests that this missense change does not adversely affect protein function. In summary, the available evidence is currently insufficient to determine the role of this variant in disease. Therefore, it has been classified as a Variant of Uncertain Significance.

Ambry Genetics
Classification: Uncertain significance for Inborn genetic diseases. Last evaluated: 2023-10-14. Review status: criteria provided, single submitter. Criteria: Ambry Variant Classification Scheme 2023. Collection method: clinical testing. Allele origin: germline.

NM_001098671.2(RASGRP2):c.1187C>T (p.Thr396Met)

Gene: RASGRP2 (RAS guanyl releasing protein 2; minus strand). Cytogenetic location: 11q13.1.
Variant type: single nucleotide variant.
Coding change: c.1187C>T on transcript NM_001098671.2 (MANE Select); coding-DNA position 1187, C replaced by T.
Protein change: p.Thr396Met; replaces threonine 396 with methionine.
Molecular consequence: missense variant.
Genome position (GRCh38, 1-based): chr11:64,735,651, G>A on the plus strand (C>T on the coding strand, the complement: RASGRP2 is on the minus strand). VCF-style: chr11-64735651-G-A. GRCh37 (hg19) VCF-style: chr11-64503123-G-A.
Other names: c.1187C>T, p.Thr396Met (NM_001098670.2, NM_153819.2); c.752C>T, p.Thr251Met (NM_001318398.2); short protein forms T251M, T396M.
Identifiers: ClinVar variation 2961410 (VCV002961410.4), dbSNP rs768737956, ClinGen allele CA6078978.